The following is an entry in ClinVar:

ClinVar aggregate classification (germline): Uncertain significance (1 of 4 stars; one submission).

Conditions:
Multiple gastrointestinal atresias. Also called: FAMILIAL INTESTINAL POLYATRESIA SYNDROME; Multiple intestinal atresia. Identifiers: Orphanet 2300, MedGen C0220744, MONDO:0009465.

Allele frequency attached by ClinVar (database versions not stated): gnomAD 0.00001; gnomAD exomes 0.00001; ExAC 0.00002; TOPMed 0.00002; ESP Exome Variant Server 0.00015.
gnomAD v4.1: 63 of 1,613,500 alleles (0.0039%); highest among the groups gnomAD compares: Non-Finnish European, 0.005%; no homozygotes.

Submission:

Labcorp Genetics (formerly Invitae), Labcorp
Classification: Uncertain significance for Multiple gastrointestinal atresias. Last evaluated: 2021-08-26. Review status: criteria provided, single submitter. Criteria: Invitae Variant Classification Sherloc (09022015). Collection method: clinical testing. Allele origin: germline.
Comment: This sequence change replaces leucine with valine at codon 639 of the TTC7A protein (p.Leu639Val). The leucine residue is moderately conserved and there is a small physicochemical difference between leucine and valine. This variant is present in population databases (rs144998751, ExAC 0.005%). This variant has not been reported in the literature in individuals affected with TTC7A-related conditions. Algorithms developed to predict the effect of missense changes on protein structure and function (SIFT, PolyPhen-2, Align-GVGD) all suggest that this variant is likely to be tolerated. Algorithms developed to predict the effect of sequence changes on RNA splicing suggest that this variant may create or strengthen a splice site. In summary, the available evidence is currently insufficient to determine the role of this variant in disease. Therefore, it has been classified as a Variant of Uncertain Significance.

NM_020458.4(TTC7A):c.1915C>G (p.Leu639Val)

Gene: TTC7A (tetratricopeptide repeat domain 7A; plus strand). Cytogenetic location: 2p21.
Variant type: single nucleotide variant.
Coding change: c.1915C>G on transcript NM_020458.4 (MANE Select); coding-DNA position 1915, C replaced by G.
Protein change: p.Leu639Val; replaces leucine 639 with valine.
Molecular consequence: missense variant.
Genome position (GRCh38, 1-based): chr2:47,046,427, C>G. VCF-style: chr2-47046427-C-G. GRCh37 (hg19) VCF-style: chr2-47273566-C-G.
Other names: c.1915C>G, p.Leu639Val (NM_001288951.2); c.1813C>G, p.Leu605Val (NM_001288953.2); c.853C>G, p.Leu285Val (NM_001288955.2); short protein forms L285V, L605V, L639V.
Identifiers: ClinVar variation 999153 (VCV000999153.6), dbSNP rs144998751, ClinGen allele CA1647898.